The following is an entry in ClinVar:

NM_019066.5(MAGEL2):c.2408C>A (p.Ala803Asp)

Gene: MAGEL2 (MAGE family member L2; minus strand). Cytogenetic location: 15q11.2.
Variant type: single nucleotide variant.
Coding change: c.2408C>A on transcript NM_019066.5 (MANE Select); coding-DNA position 2408, C replaced by A.
Protein change: p.Ala803Asp; replaces alanine 803 with aspartic acid.
Molecular consequence: missense variant.
Genome position (GRCh38, 1-based): chr15:23,645,335, G>T on the plus strand (C>A on the coding strand, the complement: MAGEL2 is on the minus strand). VCF-style: chr15-23645335-G-T. GRCh37 (hg19) VCF-style: chr15-23890482-G-T.
Other names: c.2408C>A (NM_019066.4); short protein forms A803D.
Identifiers: ClinVar variation 1694732 (VCV001694732.38), dbSNP rs371119917, ClinGen allele CA7429901.

ClinVar aggregate classification (germline): Conflicting classifications of pathogenicity. Review status: criteria provided, conflicting classifications (1 of 4 stars). 4 submissions from 4 submitters: Uncertain significance (1); Likely benign (3). Last evaluated 2026-01-26.

Conditions:
Inborn genetic diseases. Identifiers: MedGen C0950123, MeSH D030342.

Allele frequency attached by ClinVar (database versions not stated): ESP Exome Variant Server 0.00016.

Submissions (4):

Labcorp Genetics (formerly Invitae), Labcorp
Classification: Uncertain significance. Last evaluated: 2026-01-26. Review status: criteria provided, single submitter. Criteria: Invitae Variant Classification Sherloc (09022015). Collection method: clinical testing. Allele origin: germline.
Comment: This sequence change replaces alanine, which is neutral and non-polar, with aspartic acid, which is acidic and polar, at codon 803 of the MAGEL2 protein (p.Ala803Asp). This variant is present in population databases (rs371119917, gnomAD 0.02%). This variant has not been reported in the literature in individuals affected with MAGEL2-related conditions. ClinVar contains an entry for this variant (Variation ID: 1694732). Invitae Evidence Modeling of protein sequence and biophysical properties (such as structural, functional, and spatial information, amino acid conservation, physicochemical variation, residue mobility, and thermodynamic stability) has been performed for this missense variant. However, the output from this modeling did not meet the statistical confidence thresholds required to predict the impact of this variant on MAGEL2 protein function. In summary, the available evidence is currently insufficient to determine the role of this variant in disease. Therefore, it has been classified as a Variant of Uncertain Significance.

CeGaT Center for Human Genetics Tuebingen
Classification: Likely benign. Last evaluated: 2026-01-01. Review status: criteria provided, single submitter. Criteria: CeGaT Center For Human Genetics Tuebingen Variant Classification Criteria Version 2. Collection method: clinical testing. Allele origin: germline. Affected: yes. Observed: 2 variant alleles.
Comment: MAGEL2: BP4, BS2

Laboratory of Genetics, Children's Clinical University Hospital Latvia
Classification: Likely benign. Last evaluated: 2025-02-16. Review status: criteria provided, single submitter. Criteria: ACMG Guidelines, 2015. Collection method: clinical testing. Allele origin: germline. Affected: yes.

Ambry Genetics
Classification: Likely benign for Inborn genetic diseases. Last evaluated: 2021-07-13. Review status: criteria provided, single submitter. Criteria: Ambry Variant Classification Scheme 2023. Collection method: clinical testing. Allele origin: germline.